The following is an entry in ClinVar:

ClinVar aggregate classification (germline): Benign. Review status: criteria provided, multiple submitters, no conflicts (2 of 4 stars). 5 submissions from 5 submitters: Benign (5). Last evaluated 2026-02-02.

Conditions:
Emery-Dreifuss muscular dystrophy 5, autosomal dominant (EDMD5). Also called: EMERY-DREIFUSS MUSCULAR DYSTROPHY 5. Identifiers: Orphanet 261, MedGen C2751805, MONDO:0013072, OMIM 612999.

Allele frequency attached by ClinVar (database versions not stated): 1000 Genomes Project 0.02556; 1000 Genomes Project 30x 0.02717; gnomAD 0.04884 and 0.04972; TOPMed 0.05223; ESP Exome Variant Server 0.05283; ExAC 0.05638; gnomAD exomes 0.06020 and 0.06704.
gnomAD v4.1: 104,717 of 1,614,050 alleles (6.5%); highest among the groups gnomAD compares: Admixed American, 11%; 3,992 homozygotes.

Submissions (5):

Labcorp Genetics (formerly Invitae), Labcorp
Classification: Benign for Emery-Dreifuss muscular dystrophy 5, autosomal dominant. Last evaluated: 2026-02-02. Review status: criteria provided, single submitter. Criteria: Invitae Variant Classification Sherloc (09022015). Collection method: clinical testing. Allele origin: germline.

GeneDx
Classification: Benign. Last evaluated: 2018-07-09. Review status: criteria provided, single submitter. Criteria: GeneDx Variant Classification Process June 2021. Collection method: clinical testing. Allele origin: germline. Affected: yes.

Illumina Laboratory Services, Illumina
Classification: Benign for Emery-Dreifuss muscular dystrophy 5, autosomal dominant. Last evaluated: 2018-01-13. Review status: criteria provided, single submitter. Criteria: ICSL Variant Classification Criteria 13 December 2019. Collection method: clinical testing. Allele origin: germline.
Comment: This variant was observed in the ICSL laboratory as part of a predisposition screen in an ostensibly healthy population. It had not been previously curated by ICSL or reported in the Human Gene Mutation Database (HGMD: prior to June 1st, 2018), and was therefore a candidate for classification through an automated scoring system. Utilizing variant allele frequency, disease prevalence and penetrance estimates, and inheritance mode, an automated score was calculated to assess if this variant is too frequent to cause the disease. Based on the score and internal cut-off values, a variant classified as benign is not then subjected to further curation. The score for this variant resulted in a classification of benign for this disease.

Genetic Services Laboratory, University of Chicago
Classification: Benign for AllHighlyPenetrant. Last evaluated: 2013-08-15. Review status: criteria provided, single submitter. Criteria: ACMG Guidelines, 2007. Collection method: clinical testing. Allele origin: germline. Inheritance: Autosomal dominant inheritance.

Breakthrough Genomics
Classification: Benign. Review status: criteria provided, single submitter. Criteria: ACMG Guidelines, 2015. Collection method: not provided. Allele origin: germline. Inheritance: Autosomal dominant inheritance. Affected: yes.

NM_182914.3(SYNE2):c.4177C>T (p.Arg1393Trp)

Gene: SYNE2 (spectrin repeat containing nuclear envelope protein 2; plus strand). Cytogenetic location: 14q23.2.
Variant type: single nucleotide variant.
Coding change: c.4177C>T on transcript NM_182914.3 (MANE Select); coding-DNA position 4177, C replaced by T.
Protein change: p.Arg1393Trp; replaces arginine 1393 with tryptophan.
Molecular consequence: missense variant.
Genome position (GRCh38, 1-based): chr14:64,003,110, C>T. VCF-style: chr14-64003110-C-T. GRCh37 (hg19) VCF-style: chr14-64469828-C-T.
Other names: c.4177C>T, p.Arg1393Trp (NM_015180.6); short protein forms R1393W.
Identifiers: ClinVar variation 130497 (VCV000130497.20), dbSNP rs17751301, ClinGen allele CA155579.